The following is an entry in ClinVar:

NM_007052.5(NOX1):c.453G>A (p.Gly151=)

Gene: NOX1 (NADPH oxidase 1; minus strand). Cytogenetic location: Xq22.1.
Variant type: single nucleotide variant.
Coding change: c.453G>A on transcript NM_007052.5 (MANE Select); coding-DNA position 453, G replaced by A.
Protein change: p.Gly151=; no amino-acid change (glycine 151 retained).
Molecular consequence: synonymous variant.
Genome position (GRCh38, 1-based): chrX:100,862,705, C>T on the plus strand (G>A on the coding strand, the complement: NOX1 is on the minus strand). VCF-style: chrX-100862705-C-T. GRCh37 (hg19) VCF-style: chrX-100117694-C-T.
Other names: c.342G>A, p.Gly114= (NM_001271815.2); c.453G>A, p.Gly151= (NM_013955.3).
Identifiers: ClinVar variation 2661045 (VCV002661045.24), dbSNP rs781163179, ClinGen allele CA10470671.

ClinVar aggregate classification (germline): Likely benign (1 of 4 stars; one submission).

Allele frequency attached by ClinVar (database versions not stated): ExAC 0.00001; TOPMed 0.00001; gnomAD 0.00003.
gnomAD v4.1: 13 of 1,193,192 alleles (0.0011%); highest among the groups gnomAD compares: African/African-American, 0.0018%; no homozygotes.

Submission:

CeGaT Center for Human Genetics Tuebingen
Classification: Likely benign. Last evaluated: 2022-10-01. Review status: criteria provided, single submitter. Criteria: CeGaT Center For Human Genetics Tuebingen Variant Classification Criteria Version 2. Collection method: clinical testing. Allele origin: germline. Affected: yes. Observed: 1 variant allele.
Comment: NOX1: BP4, BP7